The following is an entry in ClinVar:

NM_003172.4(SURF1):c.792_793del (p.Arg264fs)

Gene: SURF1 (SURF1 cytochrome c oxidase assembly factor; minus strand). Cytogenetic location: 9q34.2.
Variant type: Microsatellite.
Coding change: c.792_793del on transcript NM_003172.4 (MANE Select); coding-DNA positions 792 to 793, 2 bases deleted (AG; older notation c.792_793delAG).
Protein change: p.Arg264fs; shifts the reading frame from arginine 264.
Molecular consequence: frameshift variant.
Genome position (GRCh38, 1-based): chr9:133,352,101-133,352,102, CT deleted on the plus strand (AG on the coding strand, the reverse complement: SURF1 is on the minus strand); deleting any 2 consecutive bases within chr9:133,352,101-133,352,104 gives the same sequence; the c. name uses the placement nearest the transcript's 3' end. VCF-style (leftmost placement, unchanged base first): chr9-133352100-ACT-A. GRCh37 (hg19) VCF-style: chr9-136218955-ACT-A.
Other names: c.465_466del, p.Arg155fs (NM_001280787.1); c.792_793delAG (NM_003172.2); short protein forms R155fs, R264fs.
Identifiers: ClinVar variation 215238 (VCV000215238.27), dbSNP rs782490558, ClinGen allele CA323428.
Genomic context (GRCh38, chr9:133,352,100, plus strand): 5'-AGAGGGCCGCTGGGGACTCACCAGGTCACGATGTACTGCAGATGCTCGTTCCTCAGAGTA[ACT>A]CTGGTTTGCCCTCCAATGGGTCCTCCAGGGACTGTGCTCTCTGTGGAGACAGCAGACTCA-3'

ClinVar aggregate classification (germline): Pathogenic. Review status: criteria provided, multiple submitters, no conflicts (2 of 4 stars). 12 submissions from 12 submitters: Pathogenic (11). 1 of the submissions does not count toward it. Last evaluated 2025-12-13.

Conditions:
Charcot-Marie-Tooth disease type 4K. Also called: CHARCOT-MARIE-TOOTH DISEASE, DEMYELINATING, AUTOSOMAL RECESSIVE, TYPE 4K; CHARCOT-MARIE-TOOTH NEUROPATHY, DEMYELINATING, AUTOSOMAL RECESSIVE, TYPE 4K; CHARCOT-MARIE-TOOTH DISEASE, DEMYELINATING, TYPE 4K. Identifiers: Orphanet 391351, MedGen C4225246, MONDO:0014733, OMIM 616684.
Inborn genetic diseases. Identifiers: MedGen C0950123, MeSH D030342.
Leigh syndrome (NULS). Also called: Subacute necrotizing encephalopathy; Necrotizing encephalopathy infantile subacute of Leigh; Leigh Syndrome (mtDNA deletion); Leigh's syndrome; LEIGH SYNDROME, NUCLEAR; Leigh Disease. Identifiers: Orphanet 506, MedGen C2931891, MONDO:0009723, OMIM 256000.
Mitochondrial complex IV deficiency, nuclear type 1 (MC4DN1). Also called: COX DEFICIENCY; Complex 4 mitochondrial respiratory chain deficiency; Deficiency of mitochondrial respiratory chain complex4; Complex IV deficiency; Mitochondrial complex IV deficiency. Identifiers: MedGen C5435656, MONDO:0700250, OMIM 220110. Disease mechanism: loss of function.

Submissions (12):

Labcorp Genetics (formerly Invitae), Labcorp
Classification: Pathogenic for Leigh syndrome. Last evaluated: 2025-12-13. Review status: criteria provided, single submitter. Criteria: Invitae Variant Classification Sherloc (09022015). Collection method: clinical testing. Allele origin: germline.
Comment: This sequence change creates a premature translational stop signal (p.Arg264Serfs*27) in the SURF1 gene. While this is not anticipated to result in nonsense mediated decay, it is expected to disrupt the last 37 amino acid(s) of the SURF1 protein. This variant is present in population databases (rs782490558, gnomAD 0.007%). This premature translational stop signal has been observed in individuals with cytochrome c oxidase (COX) deficient Leigh syndrome (PMID: 10647889, 23829769, 24462369). This variant disrupts the p.Lys291* amino acid residue in SURF1. Other variant(s) that disrupt this residue have been determined to be pathogenic (PMID: 9837813, 25111564, 27756633). This suggests that this residue is clinically significant, and that variants that disrupt this residue are likely to be disease-causing. For these reasons, this variant has been classified as Pathogenic.

3billion
Classification: Pathogenic for Mitochondrial complex IV deficiency, nuclear type 1. Last evaluated: 2025-11-05. Review status: criteria provided, single submitter. Criteria: ACMG Guidelines, 2015. Collection method: clinical testing. Allele origin: germline. Affected: yes.
Comment: The variant is observed at an extremely low frequency in the gnomAD v4.1.0 dataset (total allele frequency: 0.002%). Predicted Consequence/Location: Frameshift: predicted to result in a loss or disruption of normal protein function through protein truncation. The predicted truncated protein may be shortened by more than 10%. The variant has been reported at least twice as pathogenic with clinical assertions and evidence for the classification (ClinVar ID: VCV000215238 /PMID: 10647889 /3billion dataset). Therefore, this variant is classified as Pathogenic according to the recommendation of ACMG/AMP guideline.

GeneDx
Classification: Pathogenic. Last evaluated: 2023-11-07. Review status: criteria provided, single submitter. Criteria: GeneDx Variant Classification Process June 2021. Collection method: clinical testing. Allele origin: germline. Affected: yes.
Comment: Reported in two patients with Leigh syndrome who harbored different frameshift variants on the opposite allele (in trans) (PMID: 28639102); Frameshift variant predicted to result in protein truncation, as the last 37 amino acids are replaced with 26 different amino acids, and other loss-of-function variants have been reported downstream in the Human Gene Mutation Database (HGMD); Not observed at significant frequency in large population cohorts (gnomAD); This variant is associated with the following publications: (PMID: 24462369, 10647889, 23829769, 26762927, 11409433, 31589614, 32907636, 36675121, 31965297, 33594065, 28639102)

Dasa
Classification: Pathogenic for Charcot-Marie-Tooth disease type 4K. Last evaluated: 2022-01-05. Review status: criteria provided, single submitter. Criteria: ACMG Guidelines, 2015. Collection method: clinical testing. Allele origin: germline. Affected: yes. Observed: 1 variant allele.
Comment: The c.792_793del;p.(Arg264Serfs*27) is a null frameshift variant (NMD) in the SURF1 gene and predicts alteration of the nonsense-mediate decay - NMD is present in a relevantexon to the transcript - PVS1_strong. This sequence change has been observed in affected individual(s) and ClinVar contains an entry for this variant (ClinVar ID: 215238; PMID: 10647889;23829769; 24462369; 26341968) - PS4. The variant is present at low allele frequencies population databases (rs782490558– gnomAD 0.003291%; ABraOM 0.000427 frequency) - PM2_supporting. The p.(Arg264Serfs*27) was detected in trans with a pathogenic variant (PMID: 28639102) - PM3. In summary, the currently available evidence indicates that the variant is pathogenic.

Revvity Omics, Revvity
Classification: Pathogenic. Last evaluated: 2022-01-01. Review status: criteria provided, single submitter. Criteria: ACMG Guidelines, 2015. Collection method: clinical testing. Allele origin: germline.

Ambry Genetics
Classification: Pathogenic for Inborn genetic diseases. Last evaluated: 2021-04-02. Review status: criteria provided, single submitter. Criteria: Ambry Variant Classification Scheme 2023. Collection method: clinical testing. Allele origin: germline.
Comment: The c.792_793delAG (p.R264Sfs*27) alteration, located in exon 8 (coding exon 8) of the SURF1 gene, consists of a deletion of 2 nucleotides from position 792 to 793, causing a translational frameshift with a predicted alternate stop codon after 27 amino acids. This alteration occurs at the 3' terminus of the SURF1 gene and is not expected to trigger nonsense-mediated mRNA decay; however, premature stop codons are typically deleterious in nature and a significant portion of the protein is affected (Ambry internal data). Based on data from gnomAD, the c.792_793delAG allele has an overall frequency of <0.01% (6/273842) total alleles studied. The highest observed frequency was 0.01% (1/7068) of Other alleles. This mutation has been identified in the homozygous and compound heterozygous state in multiple individuals with SURF1-related mitochondrial complex IV deficiency (P&eacute;quignot, 2001; Wedatilake, 2013; Li, 2018; Tsang, 2020). Other truncating alterations downstream have been observed in individuals with a personal and/or family history that is consistent with SURF1-related mitochondrial complex IV deficiency (Tiranti, 1998; Piekutowska-Abramczuk, 2009). Based on the available evidence, this alteration is classified as pathogenic.

Illumina Laboratory Services, Illumina
Classification: Pathogenic for Mitochondrial complex IV deficiency, nuclear type 1. Last evaluated: 2020-05-06. Review status: criteria provided, single submitter. Criteria: ICSLVariantClassificationCriteria RUGD 01 April 2020. Collection method: clinical testing. Allele origin: unknown.
Comment: Across a selection of the available literature, the SURF1 c.792_793delAG (p.Arg264SerfsTer27) variant, a frameshift variant, has been identified in at least seven unrelated individuals with Leigh syndrome, including in four in a homozygous state and three in a compound heterozygous state (Wedatilake et al. 2013; Sonam et al. 2017; Li et al. 2018). Clinical features of the probands included onset in infancy with poor feeding, vomiting, developmental regression, nystagmus, ophthalmoplegia, hypotonia, movement disorder, and respiratory failure (Wedatilake et al. 2013; Li et al. 2018). Fibroblast COX activity from two patients showed significantly reduced activity and COX histochemistry demonstrated reduced COX staining in muscle biopsies from four patients (Wedatilake et al. 2013). Control data are unavailable for this variant, which is reported at a frequency of 0.000022 in the Total population of the Genome Aggregation Database. Based on the collective evidence and application of the ACMG criteria, the c.792_793delAG (p.Arg264SerfsTer27) variant is classified as pathogenic for Mitochondrial complex IV deficiency.

Genomic Research Center, Shahid Beheshti University of Medical Sciences
Classification: Pathogenic. Last evaluated: 2019-01-01. Review status: criteria provided, single submitter. Criteria: ACMG Guidelines, 2015. Collection method: clinical testing. Allele origin: unknown. Affected: yes. Observed: 1 variant allele.

Women's Health and Genetics/Laboratory Corporation of America, LabCorp
Classification: Pathogenic for Leigh syndrome. Last evaluated: 2017-08-10. Review status: criteria provided, single submitter. Criteria: LabCorp Variant Classification Summary - May 2015. Collection method: clinical testing. Allele origin: germline.
Comment: Variant summary: The SURF1 c.792_793delAG (p.Arg264Serfs) variant results in a premature termination codon, predicted to cause a truncated or absent SURF1 protein due to nonsense mediated decay, which are commonly known mechanisms for disease. Truncations downstream of this position have been classified as pathogenic by our laboratory (e.g. c.845_846delCT, p.Ser282fs). One in silico tool predicts a damaging outcome for this variant. This variant was found in 1/83140 control chromosomes at a frequency of 0.000012, which does not exceed the estimated maximal expected allele frequency of a pathogenic SURF1 variant (0.0017678). The variant was reported in the literature in numerous affected individuals, and two homozygous patients tested for fibroblast COX activity showed significantly reduced activity (Wedatilake_2013). In addition, multiple clinical diagnostic laboratories/reputable databases classified this variant as pathogenic. Taken together, this variant is classified as pathogenic.

Juno Genomics, Hangzhou Juno Genomics, Inc
Classification: Pathogenic for Mitochondrial complex IV deficiency, nuclear type 1. Review status: criteria provided, single submitter. Criteria: ACMG Guidelines, 2015. Collection method: clinical testing. Allele origin: germline. Affected: yes.
Comment: Absent from controls (or at extremely low frequency if recessive) in Genome Aggregation Database, Exome Sequencing Project, 1000 Genomes Project, or Exome Aggregation Consortium.;Null variant in a gene where loss of function (LOF) is a known mechanism of disease.;For recessive disorders, detected in trans with a pathogenic variant.;Patient's phenotype or family history is highly specific for a disease with a single genetic etiology.

Neuberg Centre For Genomic Medicine, NCGM
Classification: Pathogenic for Mitochondrial complex IV deficiency, nuclear type 1. Review status: criteria provided, single submitter. Criteria: ACMG Guidelines, 2015. Collection method: clinical testing. Allele origin: germline. Inheritance: Autosomal recessive inheritance. Affected: yes.
Comment: The frameshift variant c.792_793del(p.Arg264SerfsTer27) in SURF1 gene has been reported in several individuals and families affected with cytochrome c oxidase (COX) deficient Leigh syndrome (Lim SC et.al.,2014). This variant has been reported to the ClinVar database as Pathogenic. The p.Arg264SerfsTer27 variant is novel (not in any individuals) in 1000 Genomes and allele frequency of 0.002191% is reported in gnomAD. This variant causes a frameshift starting with codon Arginine 264, changes this amino acid to Serine residue, and creates a premature Stop codon at position 27 of the new reading frame, denoted p.Arg264SerfsTer27. For these reasons, this variant has been classified as Pathogenic

OMIM
Classification: Pathogenic for MITOCHONDRIAL COMPLEX IV DEFICIENCY, NUCLEAR TYPE 1. Last evaluated: 2001-06-01. Review status: no assertion criteria provided. Collection method: literature only. Allele origin: germline. Not counted in ClinVar's aggregate classification.

Literature cited by the submitters: PubMed 10647889 (cited by 4 submitters); PubMed 23829769 (cited by 4 submitters); PubMed 24462369 (cited by Labcorp Genetics (formerly Invitae), Labcorp and Dasa); PubMed 9837813 (cited by Labcorp Genetics (formerly Invitae), Labcorp and Ambry Genetics); PubMed 25111564 (cited by Labcorp Genetics (formerly Invitae), Labcorp); PubMed 27756633 (cited by Labcorp Genetics (formerly Invitae), Labcorp); PubMed 26341968 (cited by Dasa and Women's Health and Genetics/Laboratory Corporation of America, LabCorp); PubMed 28639102 (cited by Dasa); PubMed 11317352 (cited by Ambry Genetics); PubMed 19780766 (cited by Ambry Genetics); PubMed 29933018 (cited by Ambry Genetics); PubMed 32907636 (cited by Ambry Genetics); PubMed 11409433 (cited by OMIM).